The following is an entry in ClinVar:

NC_000006.11:g.(?_66112361)_(66115270_?)del

Gene: EYS (eyes shut homolog; minus strand). Cytogenetic location: 6q12.
Variant type: Deletion.
Identifiers: ClinVar variation 2423846 (VCV002423846.4).

ClinVar aggregate classification (germline): Pathogenic (1 of 4 stars; one submission).

Submission:

Labcorp Genetics (formerly Invitae), Labcorp
Classification: Pathogenic. Last evaluated: 2022-08-06. Review status: criteria provided, single submitter. Criteria: Invitae Variant Classification Sherloc (09022015). Collection method: clinical testing. Allele origin: germline.
Comment: For these reasons, this variant has been classified as Pathogenic. This variant has not been reported in the literature in individuals affected with EYS-related conditions. This variant is a gross deletion of the genomic region encompassing exon(s) 6-7 of the EYS gene. This deletion is out-of-frame, and is expected to create a premature termination codon and result in an absent or disrupted protein product. Loss-of-function variants in EYS are known to be pathogenic (PMID: 18836446, 20333770).

Literature cited by the submitters: PubMed 18836446; PubMed 20333770.